The following is an entry in ClinVar:

ClinVar aggregate classification (germline): Uncertain significance (1 of 4 stars; one submission).

Allele frequency attached by ClinVar (database versions not stated): TOPMed 0.00001; gnomAD exomes 0.00003.
gnomAD v4.1: 46 of 1,613,228 alleles (0.0029%); highest among the groups gnomAD compares: Non-Finnish European, 0.0035%; no homozygotes.

Submission:

Labcorp Genetics (formerly Invitae), Labcorp
Classification: Uncertain significance. Last evaluated: 2025-07-29. Review status: criteria provided, single submitter. Criteria: Invitae Variant Classification Sherloc (09022015). Collection method: clinical testing. Allele origin: germline.
Comment: This sequence change replaces threonine, which is neutral and polar, with methionine, which is neutral and non-polar, at codon 241 of the CD151 protein (p.Thr241Met). This variant is not present in population databases (gnomAD no frequency). This variant has not been reported in the literature in individuals affected with CD151-related conditions. ClinVar contains an entry for this variant (Variation ID: 1898583). An algorithm developed to predict the effect of missense changes on protein structure and function (PolyPhen-2) suggests that this variant is likely to be disruptive. In summary, the available evidence is currently insufficient to determine the role of this variant in disease. Therefore, it has been classified as a Variant of Uncertain Significance.

NM_004357.5(CD151):c.722C>T (p.Thr241Met)

Gene: CD151 (CD151 molecule (Raph blood group); plus strand). Cytogenetic location: 11p15.5.
Variant type: single nucleotide variant.
Coding change: c.722C>T on transcript NM_004357.5 (MANE Select); coding-DNA position 722, C replaced by T.
Protein change: p.Thr241Met; replaces threonine 241 with methionine.
Molecular consequence: missense variant.
Genome position (GRCh38, 1-based): chr11:838,152, C>T. VCF-style: chr11-838152-C-T. GRCh37 (hg19) VCF-style: chr11-838152-C-T.
Other names: c.722C>T, p.Thr241Met (NM_001039490.2, NM_139029.2, NM_139030.4); short protein forms T241M.
Identifiers: ClinVar variation 1898583 (VCV001898583.5), dbSNP rs1846852859, ClinGen allele CA378996425.
Genomic context (GRCh38, chr11:838,152, plus strand): 5'-CCCCATGACGTCTGCTTACGCCCACCCGGCTCTGCACACAGGTCTTTGGCATGATCTTCA[C>T]GTGCTGCCTGTACAGGAGTCTCAAGCTGGAGCACTACTGACCCTGCCTTGGGCCTTGCTG-3'
Protein context (NP_004348.2, residues 231-251): ACVQVFGMIF[Thr241Met]CCLYRSLKLE